The following is an entry in ClinVar:

ClinVar aggregate classification (germline): Likely pathogenic. Review status: criteria provided, multiple submitters, no conflicts (2 of 4 stars). 2 submissions from 2 submitters: Likely pathogenic (2). Last evaluated 2019-06-13.

Conditions:
USH2A-related disorder. Also called: USH2A-related disorders; USH2A-related condition. Identifiers: MedGen CN239332.

Allele frequency attached by ClinVar (database versions not stated): gnomAD exomes below 0.00001.
gnomAD v4.1: 4 of 1,611,234 alleles (0.00025%); highest among the groups gnomAD compares: Non-Finnish European, 0.00034%; no homozygotes.

Submissions (2):

Labcorp Genetics (formerly Invitae), Labcorp
Classification: Likely pathogenic. Last evaluated: 2019-06-13. Review status: criteria provided, single submitter. Criteria: Invitae Variant Classification Sherloc (09022015). Collection method: clinical testing. Allele origin: germline.
Comment: In summary, the currently available evidence indicates that the variant is pathogenic, but additional data are needed to prove that conclusively. Therefore, this variant has been classified as Likely Pathogenic. Donor and acceptor splice site variants typically lead to a loss of protein function (PMID: 16199547), and loss-of-function variants in USH2A are known to be pathogenic (PMID: 10729113, 10909849, 20507924, 25649381). Algorithms developed to predict the effect of sequence changes on RNA splicing suggest that this variant may disrupt the consensus splice site, but this prediction has not been confirmed by published transcriptional studies. This variant has been observed in an individual affected with retinitis pigmentosa (PMID: 24516651). This variant is not present in population databases (ExAC no frequency). This sequence change affects an acceptor splice site in intron 3 of the USH2A gene. It is expected to disrupt RNA splicing and likely results in an absent or disrupted protein product.

Blueprint Genetics
Classification: Likely pathogenic for USH2A-related disorders. Last evaluated: 2019-02-07. Review status: criteria provided, single submitter. Criteria: ACMG Guidelines, 2015. Collection method: clinical testing. Allele origin: germline. Affected: yes. Observed: 1 variant allele.

Literature cited by the submitters: PubMed 16199547 (cited by Labcorp Genetics (formerly Invitae), Labcorp); PubMed 10729113 (cited by Labcorp Genetics (formerly Invitae), Labcorp); PubMed 10909849 (cited by Labcorp Genetics (formerly Invitae), Labcorp); PubMed 20507924 (cited by Labcorp Genetics (formerly Invitae), Labcorp); PubMed 25649381 (cited by Labcorp Genetics (formerly Invitae), Labcorp); PubMed 24516651 (cited by Labcorp Genetics (formerly Invitae), Labcorp).

NM_206933.4(USH2A):c.652-2A>G

Gene: USH2A (usherin; minus strand). Cytogenetic location: 1q41.
Variant type: single nucleotide variant.
Coding change: c.652-2A>G on transcript NM_206933.4 (MANE Select); the canonical splice acceptor site of the intron before coding-DNA position 652, A replaced by G.
Molecular consequence: splice acceptor variant.
Genome position (GRCh38, 1-based): chr1:216,365,087, T>C on the plus strand (A>G on the coding strand, the complement: USH2A is on the minus strand). VCF-style: chr1-216365087-T-C. GRCh37 (hg19) VCF-style: chr1-216538429-T-C.
Other names: c.652-2A>G (NM_007123.6).
Identifiers: ClinVar variation 952149 (VCV000952149.11), dbSNP rs2038569690, ClinGen allele CA344908876.
Genomic context (GRCh38, chr1:216,365,087, plus strand): 5'-AAAGGTGTATGATCCTTCTCCACGCCATTGATAAAGAAGCTGATTTTTGTCTGATGCACC[T>C]GTAAGAAATTACCACCATTATTAGTTTAAGTGCATAAACTTTTATTTTATATTAAACACA-3'